The following is an entry in ClinVar:

ClinVar aggregate classification (germline): Benign. Review status: criteria provided, multiple submitters, no conflicts (2 of 4 stars). 7 submissions from 7 submitters: Benign (7). Last evaluated 2026-02-04.

Conditions:
Congenital microvillous atrophy (DIAR2). Also called: DAVIDSON DISEASE; MICROVILLUS ATROPHY, CONGENITAL; Microvillus inclusion disease; Diarrhea 2 with microvillus atrophy, with or without cholestasis; CONGENITAL FAMILIAL PROTRACTED DIARRHEA WITH ENTEROCYTE BRUSH-BORDER ABNORMALITIES. Identifiers: Orphanet 2290, MedGen C0341306, MONDO:0009635, OMIM 251850.

Allele frequency attached by ClinVar (database versions not stated): ESP Exome Variant Server 0.21451; gnomAD exomes 0.21727 and 0.25548; gnomAD 0.23556 and 0.24090; TOPMed 0.23965; ExAC 0.25335; 1000 Genomes Project 30x 0.29497; 1000 Genomes Project 0.29992.
gnomAD v4.1: 354,827 of 1,613,140 alleles (22%); highest among the groups gnomAD compares: East Asian, 39%; 41,433 homozygotes.

Submissions (7):

Labcorp Genetics (formerly Invitae), Labcorp
Classification: Benign. Last evaluated: 2026-02-04. Review status: criteria provided, single submitter. Criteria: Invitae Variant Classification Sherloc (09022015). Collection method: clinical testing. Allele origin: germline.

Mayo Clinic Laboratories, Mayo Clinic
Classification: Benign. Last evaluated: 2022-09-06. Review status: criteria provided, single submitter. Criteria: ACMG Guidelines, 2015. Collection method: clinical testing. Allele origin: germline. Observed: 34 variant alleles.

Genome-Nilou Lab
Classification: Benign for Congenital microvillous atrophy. Last evaluated: 2021-09-05. Review status: criteria provided, single submitter. Criteria: ACMG Guidelines, 2015. Collection method: clinical testing. Allele origin: germline. Affected: no.

GeneDx
Classification: Benign. Last evaluated: 2018-11-12. Review status: criteria provided, single submitter. Criteria: GeneDx Variant Classification Process June 2021. Collection method: clinical testing. Allele origin: germline. Affected: yes.

Illumina Laboratory Services, Illumina
Classification: Benign for Congenital microvillous atrophy. Last evaluated: 2018-01-13. Review status: criteria provided, single submitter. Criteria: ICSL Variant Classification Criteria 13 December 2019. Collection method: clinical testing. Allele origin: germline.
Comment: This variant was observed in the ICSL laboratory as part of a predisposition screen in an ostensibly healthy population. It had not been previously curated by ICSL or reported in the Human Gene Mutation Database (HGMD: prior to June 1st, 2018), and was therefore a candidate for classification through an automated scoring system. Utilizing variant allele frequency, disease prevalence and penetrance estimates, and inheritance mode, an automated score was calculated to assess if this variant is too frequent to cause the disease. Based on the score and internal cut-off values, a variant classified as benign is not then subjected to further curation. The score for this variant resulted in a classification of benign for this disease.

Laboratory for Molecular Medicine, Mass General Brigham Personalized Medicine
Classification: Benign. Last evaluated: 2016-03-28. Review status: criteria provided, single submitter. Criteria: LMM Criteria. Collection method: clinical testing. Allele origin: germline.
Comment: Variant identified in a genome or exome case(s) and assessed due to predicted null impact of the variant or pathogenic assertions in the literature or databases. Disclaimer: This variant has not undergone full assessment. The following are preliminary notes: Frequency

Breakthrough Genomics
Classification: Benign. Review status: criteria provided, single submitter. Criteria: ACMG Guidelines, 2015. Collection method: not provided. Allele origin: germline. Inheritance: Autosomal recessive inheritance. Affected: yes.

NM_001080467.3(MYO5B):c.3591C>T (p.Tyr1197=)

Gene: MYO5B (myosin VB; minus strand). Cytogenetic location: 18q21.1.
Variant type: single nucleotide variant.
Coding change: c.3591C>T on transcript NM_001080467.3 (MANE Select); coding-DNA position 3591, C replaced by T.
Protein change: p.Tyr1197=; no amino-acid change (tyrosine 1197 retained).
Molecular consequence: synonymous variant.
Genome position (GRCh38, 1-based): chr18:49,872,179, G>A on the plus strand (C>T on the coding strand, the complement: MYO5B is on the minus strand). VCF-style: chr18-49872179-G-A. GRCh37 (hg19) VCF-style: chr18-47398549-G-A.
Other names: p.Tyr1197=.
Identifiers: ClinVar variation 327025 (VCV000327025.21), dbSNP rs3826579, ClinGen allele CA8960666.